The following is an entry in ClinVar:

NM_006767.4(LZTR1):c.2362A>G (p.Met788Val)

Gene: LZTR1 (leucine zipper like post translational regulator 1; plus strand). Cytogenetic location: 22q11.21.
Variant type: single nucleotide variant.
Coding change: c.2362A>G on transcript NM_006767.4 (MANE Select); coding-DNA position 2362, A replaced by G.
Protein change: p.Met788Val; replaces methionine 788 with valine.
Molecular consequence: missense variant.
Genome position (GRCh38, 1-based): chr22:20,996,922, A>G. VCF-style: chr22-20996922-A-G. GRCh37 (hg19) VCF-style: chr22-21351211-A-G.
Other names: short protein forms M788V.
Identifiers: ClinVar variation 1790179 (VCV001790179.6), dbSNP rs1924878087, ClinGen allele CA410781046.
Genomic context (GRCh38, chr22:20,996,922, plus strand): 5'-GCCTCAAGGTCCCTGCCATTGCAGATCCTGGAGGCAGCTGACAAAACGCAGGCACTGGAC[A>G]TGAAGCGGCACTGCCTGCACATCATTGTGCACCAGTTCACCAAGGTCAGGGCTCTGGCCT-3'
Protein context (NP_006758.2, residues 778-798): EAADKTQALD[Met788Val]KRHCLHIIVH

ClinVar aggregate classification (germline): Uncertain significance. Review status: criteria provided, multiple submitters, no conflicts (2 of 4 stars). 3 submissions from 3 submitters: Uncertain significance (3). Last evaluated 2025-05-16.

Conditions:
Cardiovascular phenotype. Identifiers: MedGen CN230736.
Hereditary cancer-predisposing syndrome. Also called: Neoplastic Syndromes, Hereditary; Tumor predisposition; Hereditary neoplastic syndrome; Hereditary Cancer Syndrome. Identifiers: Orphanet 140162, MedGen C0027672, MeSH D009386, MONDO:0015356.

Allele frequency attached by ClinVar (database versions not stated): TOPMed below 0.00001; gnomAD exomes below 0.00001.
gnomAD v4.1: 4 of 1,613,440 alleles (0.00025%); highest among the groups gnomAD compares: Non-Finnish European, 0.00034%; no homozygotes.

Submissions (3):

Dasa
Classification: Uncertain significance. Last evaluated: 2025-05-16. Review status: criteria provided, single submitter. Criteria: DASA Assertion Criteria. Collection method: clinical testing. Allele origin: germline.
Comment: NM_006767.4(LZTR1):c.2362A>G (p.Met788Val) is a missense variant that results in the substitution of methionine with valine. This variant is rare in population databases. The currently available literature and clinical evidence are not sufficient to establish a definitive association between this variant and the reported condition. Therefore, this variant is classified as a variant of uncertain significance.

Labcorp Genetics (formerly Invitae), Labcorp
Classification: Uncertain significance. Last evaluated: 2024-07-19. Review status: criteria provided, single submitter. Criteria: Invitae Variant Classification Sherloc (09022015). Collection method: clinical testing. Allele origin: germline.
Comment: This sequence change replaces methionine, which is neutral and non-polar, with valine, which is neutral and non-polar, at codon 788 of the LZTR1 protein (p.Met788Val). This variant is not present in population databases (gnomAD no frequency). This variant has not been reported in the literature in individuals affected with LZTR1-related conditions. ClinVar contains an entry for this variant (Variation ID: 1790179). Advanced modeling of protein sequence and biophysical properties (such as structural, functional, and spatial information, amino acid conservation, physicochemical variation, residue mobility, and thermodynamic stability) performed at Invitae indicates that this missense variant is not expected to disrupt LZTR1 protein function with a negative predictive value of 80%. In summary, the available evidence is currently insufficient to determine the role of this variant in disease. Therefore, it has been classified as a Variant of Uncertain Significance.

Ambry Genetics
Classification: Uncertain significance for Cardiovascular phenotype; Hereditary cancer-predisposing syndrome. Last evaluated: 2024-01-10. Review status: criteria provided, single submitter. Criteria: Ambry Variant Classification Scheme 2023. Collection method: clinical testing. Allele origin: germline.
Comment: The p.M788V variant (also known as c.2362A>G), located in coding exon 20 of the LZTR1 gene, results from an A to G substitution at nucleotide position 2362. The methionine at codon 788 is replaced by valine, an amino acid with highly similar properties. This amino acid position is highly conserved in available vertebrate species. In addition, this alteration is predicted to be deleterious by in silico analysis. Since supporting evidence is limited at this time, the clinical significance of this alteration remains unclear.